The following is an entry in ClinVar:

ClinVar aggregate classification (germline): Uncertain significance (1 of 4 stars; one submission).

Conditions:
Autosomal dominant nonsyndromic hearing loss 1. Also called: KONIGSMARK SYNDROME; DEAFNESS, AUTOSOMAL DOMINANT 1, WITH OR WITHOUT THROMBOCYTOPENIA. Identifiers: Orphanet 90635, MedGen C1852282, MONDO:0007424, OMIM 124900.
Progressive microcephaly-seizures-cortical blindness-developmental delay syndrome. Also called: Seizures, cortical blindness, and microcephaly syndrome. Identifiers: Orphanet 477814, MedGen C5567650, MONDO:0014714, OMIM 616632.

Submission:

Labcorp Genetics (formerly Invitae), Labcorp
Classification: Uncertain significance for Progressive microcephaly-seizures-cortical blindness-developmental delay syndrome; Autosomal dominant nonsyndromic hearing loss 1. Last evaluated: 2024-04-10. Review status: criteria provided, single submitter. Criteria: Invitae Variant Classification Sherloc (09022015). Collection method: clinical testing. Allele origin: germline.
Comment: This sequence change replaces methionine, which is neutral and non-polar, with threonine, which is neutral and polar, at codon 289 of the DIAPH1 protein (p.Met289Thr). This variant is not present in population databases (gnomAD no frequency). This variant has not been reported in the literature in individuals affected with DIAPH1-related conditions. Experimental studies and prediction algorithms are not available or were not evaluated, and the functional significance of this variant is currently unknown. In summary, the available evidence is currently insufficient to determine the role of this variant in disease. Therefore, it has been classified as a Variant of Uncertain Significance.

NM_005219.5(DIAPH1):c.866T>C (p.Met289Thr)

Gene: DIAPH1 (diaphanous related formin 1; minus strand). Cytogenetic location: 5q31.3.
Variant type: single nucleotide variant.
Coding change: c.866T>C on transcript NM_005219.5 (MANE Select); coding-DNA position 866, T replaced by C.
Protein change: p.Met289Thr; replaces methionine 289 with threonine.
Molecular consequence: missense variant.
Genome position (GRCh38, 1-based): chr5:141,579,155, A>G on the plus strand (T>C on the coding strand, the complement: DIAPH1 is on the minus strand). VCF-style: chr5-141579155-A-G. GRCh37 (hg19) VCF-style: chr5-140958722-A-G.
Other names: c.839T>C, p.Met280Thr (NM_001079812.3); c.866T>C, p.Met289Thr (NM_001314007.2); short protein forms M280T, M289T.
Identifiers: ClinVar variation 3758789 (VCV003758789.2).
Genomic context (GRCh38, chr5:141,579,155, plus strand): 5'-GCAATAGTGGTTCCACTTTTTAATCCATCCAGCAGCGGCTGGAAACGTTCCACTTCATCC[A>G]TCTCAGCTCTTTCTGTCATTGCCTCCAAAACCCTTTCATTCCTGCCCAAGAGAAAGGAAA-3'
Protein context (NP_005210.3, residues 279-299): VLEAMTERAE[Met289Thr]DEVERFQPLL